The following is an entry in ClinVar:

ClinVar aggregate classification (germline): Uncertain significance. Review status: criteria provided, multiple submitters, no conflicts (2 of 4 stars). 3 submissions from 3 submitters: Uncertain significance (2). 1 of the submissions does not count toward it. Last evaluated 2023-04-04.

Conditions:
Pulmonary fibrosis and/or bone marrow failure, Telomere-related, 3. Also called: PULMONARY FIBROSIS AND/OR BONE MARROW FAILURE SYNDROME, TELOMERE-RELATED, 3. Identifiers: Orphanet 2032, MedGen C4225346, MONDO:0014613, OMIM 616373.
Dyskeratosis congenita, autosomal recessive 5 (DKCB5). Identifiers: MedGen C3554656, MONDO:0014076, OMIM 615190.
Dyskeratosis congenita. Identifiers: Orphanet 1775, MedGen C0265965, MONDO:0015780.

gnomAD v4.1: 4 of 1,613,928 alleles (0.00025%); highest among the groups gnomAD compares: East Asian, 0.0045%; no homozygotes.

Submissions (3):

GeneDx
Classification: Uncertain significance. Last evaluated: 2023-04-04. Review status: criteria provided, single submitter. Criteria: GeneDx Variant Classification Process June 2021. Collection method: clinical testing. Allele origin: germline. Affected: yes.
Comment: Not observed at significant frequency in large population cohorts (gnomAD); In silico analysis supports that this missense variant does not alter protein structure/function; Has not been previously published as pathogenic or benign to our knowledge

Labcorp Genetics (formerly Invitae), Labcorp
Classification: Uncertain significance for Dyskeratosis congenita, autosomal recessive 5; Pulmonary fibrosis and/or bone marrow failure, Telomere-related, 3. Last evaluated: 2023-03-08. Review status: criteria provided, single submitter. Criteria: Invitae Variant Classification Sherloc (09022015). Collection method: clinical testing. Allele origin: germline.
Comment: This sequence change replaces arginine, which is basic and polar, with histidine, which is basic and polar, at codon 70 of the RTEL1 protein (p.Arg70His). The frequency data for this variant in the population databases is considered unreliable, as metrics indicate poor data quality at this position in the gnomAD database. This variant has not been reported in the literature in individuals affected with RTEL1-related conditions. ClinVar contains an entry for this variant (Variation ID: 968714). Algorithms developed to predict the effect of missense changes on protein structure and function output the following: SIFT: "Not Available"; PolyPhen-2: "Benign"; Align-GVGD: "Not Available". The histidine amino acid residue is found in multiple mammalian species, which suggests that this missense change does not adversely affect protein function. In summary, the available evidence is currently insufficient to determine the role of this variant in disease. Therefore, it has been classified as a Variant of Uncertain Significance.

Natera, Inc.
Classification: Uncertain significance for Dyskeratosis congenita. Last evaluated: 2020-12-29. Review status: no assertion criteria provided. Collection method: clinical testing. Allele origin: germline. Not counted in ClinVar's aggregate classification.

NM_001283009.2(RTEL1):c.209G>A (p.Arg70His)

Genes: RTEL1-TNFRSF6B (RTEL1-TNFRSF6B readthrough (NMD candidate); plus strand), RTEL1 (regulator of telomere elongation helicase 1; plus strand). Cytogenetic location: 20q13.33.
Variant type: single nucleotide variant.
Coding change: c.209G>A on transcript NM_001283009.2 (MANE Select); coding-DNA position 209, G replaced by A.
Protein change: p.Arg70His; replaces arginine 70 with histidine.
Molecular consequence: missense variant. On other transcripts: non-coding transcript variant (1), 5 prime UTR variant (1).
Genome position (GRCh38, 1-based): chr20:63,661,404, G>A. VCF-style: chr20-63661404-G-A. GRCh37 (hg19) VCF-style: chr20-62292757-G-A.
Other names: c.209G>A (NM_032957.4); c.-461G>A (NM_001283010.1); c.209G>A, p.Arg70His (NM_016434.4, NM_032957.5); short protein forms R70H.
Identifiers: ClinVar variation 968714 (VCV000968714.11), dbSNP rs61736616, ClinGen allele CA9964143.
Genomic context (GRCh38, chr20:63,661,404, plus strand): 5'-TGTGCCTGCTGTGCACCACGCTGGCCTGGCGAGAACACCTCCGAGACGGCATCTCTGCCC[G>A]CAAGATTGCCGAGAGGGCGCAAGGAGAGCTTTTCCCGGATCGGGCCTTGTCATCCTGGGG-3'
Protein context (NP_001269938.1, residues 60-80): REHLRDGISA[Arg70His]KIAERAQGEL